The following is an entry in ClinVar:

NM_000135.4(FANCA):c.4359T>A (p.His1453Gln)

Genes: ZNF276 (zinc finger protein 276; plus strand), FANCA (FA complementation group A; minus strand). Cytogenetic location: 16q24.3.
Variant type: single nucleotide variant.
Coding change: c.4359T>A on transcript NM_000135.4 (MANE Select); coding-DNA position 4359, T replaced by A.
Protein change: p.His1453Gln; replaces histidine 1453 with glutamine.
Molecular consequence: missense variant. On other transcripts: 3 prime UTR variant (3), non-coding transcript variant (4).
Genome position (GRCh38, 1-based): chr16:89,738,610, A>T on the plus strand (T>A on the coding strand, the complement: FANCA is on the minus strand). VCF-style: chr16-89738610-A-T. GRCh37 (hg19) VCF-style: chr16-89805018-A-T.
Other names: c.*88T>A (NM_001286167.3); c.*364A>T (NM_001113525.2, NM_152287.4); short protein forms H1453Q.
Identifiers: ClinVar variation 3602660 (VCV003602660.2).

ClinVar aggregate classification (germline): Uncertain significance. Review status: criteria provided, multiple submitters, no conflicts (2 of 4 stars). 2 submissions from 2 submitters: Uncertain significance (2). Last evaluated 2025-05-25.

Conditions:
Inborn genetic diseases. Identifiers: MedGen C0950123, MeSH D030342.
Fanconi anemia complementation group A (FANCA). Also called: Fanconi anemia, group A; FANCA-Related Fanconi Anemia. Identifiers: Orphanet 84, MedGen C3469521, MONDO:0009215, OMIM 227650.

Submissions (2):

Ambry Genetics
Classification: Uncertain significance for Inborn genetic diseases. Last evaluated: 2025-05-25. Review status: criteria provided, single submitter. Criteria: Ambry Variant Classification Scheme 2023. Collection method: clinical testing. Allele origin: germline.
Comment: The p.H1453Q variant (also known as c.4359T>A), located in coding exon 43 of the FANCA gene, results from a T to A substitution at nucleotide position 4359. The histidine at codon 1453 is replaced by glutamine, an amino acid with highly similar properties. This amino acid position is conserved. In addition, this alteration is predicted to be tolerated by in silico analysis. Based on the available evidence, the clinical significance of this variant remains unclear.

St. Jude Molecular Pathology, St. Jude Children's Research Hospital
Classification: Uncertain significance for Fanconi anemia complementation group A. Last evaluated: 2024-09-16. Review status: criteria provided, single submitter. Criteria: St. Jude Assertion Criteria 2020. Collection method: clinical testing. Allele origin: germline.
Comment: The FANCA c.4359T>A (p.His1453Gln) missense change is absent in gnomAD v2.1.1. The in silico tool REVEL predicts a benign effect on protein function, but to our knowledge this prediction has not been confirmed by functional studies. To our knowledge, this variant has not been reported in individuals with Fanconi anemia. In summary, the evidence currently available is insufficient to determine the clinical significance of this variant. It has therefore been classified as of uncertain significance.